The following is an entry in ClinVar:

ClinVar aggregate classification (germline): Uncertain significance (1 of 4 stars; one submission).

Allele frequency attached by ClinVar (database versions not stated): gnomAD exomes below 0.00001.
gnomAD v4.1: 1 of 1,614,056 alleles (0.000062%); highest among the groups gnomAD compares: Admixed American, 0.0017%; no homozygotes.

Submission:

Labcorp Genetics (formerly Invitae), Labcorp
Classification: Uncertain significance. Last evaluated: 2021-08-27. Review status: criteria provided, single submitter. Criteria: Invitae Variant Classification Sherloc (09022015). Collection method: clinical testing. Allele origin: germline.
Comment: In summary, the available evidence is currently insufficient to determine the role of this variant in disease. Therefore, it has been classified as a Variant of Uncertain Significance. Algorithms developed to predict the effect of missense changes on protein structure and function are either unavailable or do not agree on the potential impact of this missense change (SIFT: "Tolerated"; PolyPhen-2: "Possibly Damaging"; Align-GVGD: "Class C0"). This variant has not been reported in the literature in individuals with COL9A1-related conditions. This variant is not present in population databases (ExAC no frequency). This sequence change replaces leucine with serine at codon 853 of the COL9A1 protein (p.Leu853Ser). The leucine residue is moderately conserved and there is a large physicochemical difference between leucine and serine.

NM_001851.6(COL9A1):c.2558T>C (p.Leu853Ser)

Gene: COL9A1 (collagen type IX alpha 1 chain; minus strand). Cytogenetic location: 6q13.
Variant type: single nucleotide variant.
Coding change: c.2558T>C on transcript NM_001851.6 (MANE Select); coding-DNA position 2558, T replaced by C.
Protein change: p.Leu853Ser; replaces leucine 853 with serine.
Molecular consequence: missense variant. On other transcripts: non-coding transcript variant (1).
Genome position (GRCh38, 1-based): chr6:70,225,955, A>G on the plus strand (T>C on the coding strand, the complement: COL9A1 is on the minus strand). VCF-style: chr6-70225955-A-G. GRCh37 (hg19) VCF-style: chr6-70935658-A-G.
Other names: c.1859T>C, p.Leu620Ser (NM_001377289.1); c.1682T>C, p.Leu561Ser (NM_001377290.1); c.1829T>C, p.Leu610Ser (NM_078485.4); short protein forms L561S, L610S, L620S, L853S.
Identifiers: ClinVar variation 969884 (VCV000969884.7), dbSNP rs886702234, ClinGen allele CA140840991.